The following is an entry in ClinVar:

ClinVar aggregate classification (germline): Uncertain significance. Review status: criteria provided, multiple submitters, no conflicts (2 of 4 stars). 3 submissions from 3 submitters: Uncertain significance (2). 1 of the submissions does not count toward it. Last evaluated 2025-06-30.

Conditions:
Cardiovascular phenotype. Identifiers: MedGen CN230736.
RASopathy. Also called: rasopathies; Noonan spectrum disorder. Identifiers: Orphanet 536391, MedGen C5555857, MONDO:0021060.
SOS1-related disorder. Also called: SOS1-related condition.

Allele frequency attached by ClinVar (database versions not stated): gnomAD exomes below 0.00001; ExAC 0.00001.
gnomAD v4.1: 2 of 1,602,190 alleles (0.00012%); highest among the groups gnomAD compares: East Asian, 0.0022%; no homozygotes.

Submissions (3):

Labcorp Genetics (formerly Invitae), Labcorp
Classification: Uncertain significance for RASopathy. Last evaluated: 2025-06-30. Review status: criteria provided, single submitter. Criteria: Invitae Variant Classification Sherloc (09022015). Collection method: clinical testing. Allele origin: germline.
Comment: This sequence change replaces arginine, which is basic and polar, with glutamine, which is neutral and polar, at codon 153 of the SOS1 protein (p.Arg153Gln). This variant is present in population databases (rs761951846, gnomAD 0.006%). This variant has not been reported in the literature in individuals affected with SOS1-related conditions. ClinVar contains an entry for this variant (Variation ID: 2236553). Invitae Evidence Modeling of protein sequence and biophysical properties (such as structural, functional, and spatial information, amino acid conservation, physicochemical variation, residue mobility, and thermodynamic stability) indicates that this missense variant is expected to disrupt SOS1 protein function with a positive predictive value of 95%. In summary, the available evidence is currently insufficient to determine the role of this variant in disease. Therefore, it has been classified as a Variant of Uncertain Significance.

Ambry Genetics
Classification: Uncertain significance for Cardiovascular phenotype. Last evaluated: 2021-08-25. Review status: criteria provided, single submitter. Criteria: Ambry Variant Classification Scheme 2023. Collection method: clinical testing. Allele origin: germline.

PreventionGenetics, part of Exact Sciences
Classification: Uncertain significance for SOS1-related condition. Last evaluated: 2024-05-17. Review status: no assertion criteria provided. Collection method: clinical testing. Allele origin: germline. Not counted in ClinVar's aggregate classification.
Comment: The SOS1 c.458G>A variant is predicted to result in the amino acid substitution p.Arg153Gln. To our knowledge, this variant has not been reported in the literature. This variant is reported in 0.0054% of alleles in individuals of East Asian descent in gnomAD. At this time, the clinical significance of this variant is uncertain due to the absence of conclusive functional and genetic evidence.

NM_005633.4(SOS1):c.458G>A (p.Arg153Gln)

Gene: SOS1 (SOS Ras/Rac guanine nucleotide exchange factor 1; minus strand). Cytogenetic location: 2p22.1.
Variant type: single nucleotide variant.
Coding change: c.458G>A on transcript NM_005633.4 (MANE Select); coding-DNA position 458, G replaced by A.
Protein change: p.Arg153Gln; replaces arginine 153 with glutamine.
Molecular consequence: missense variant.
Genome position (GRCh38, 1-based): chr2:39,056,754, C>T on the plus strand (G>A on the coding strand, the complement: SOS1 is on the minus strand). VCF-style: chr2-39056754-C-T. GRCh37 (hg19) VCF-style: chr2-39283895-C-T.
Other names: c.437G>A, p.Arg146Gln (NM_001382394.1); c.458G>A, p.Arg153Gln (NM_001382395.1); short protein forms R146Q, R153Q.
Identifiers: ClinVar variation 2236553 (VCV002236553.6), dbSNP rs761951846, ClinGen allele CA1624790.
Genomic context (GRCh38, chr2:39,056,754, plus strand): 5'-TTTCCTACCTTGTCAGCACACATTGCCACTTTAATATCTTGTTTTGTAATTTCATAATGC[C>T]GTATATTTCTTACATAATTCCCAACCAGCTTTAAAATGTCTGCAGAAATGTATTCTAAGA-3'
Protein context (NP_005624.2, residues 143-163): KLVGNYVRNI[Arg153Gln]HYEITKQDIK